The following is an entry in ClinVar:

NC_000005.9:g.(?_155935601)_(156074556_?)del

Gene: SGCD (sarcoglycan delta; plus strand). Cytogenetic location: 5q33.3.
Variant type: Deletion.
Identifiers: ClinVar variation 1068999 (VCV001068999.7).

ClinVar aggregate classification (germline): Pathogenic (1 of 4 stars; one submission).

Conditions:
Autosomal recessive limb-girdle muscular dystrophy type 2F (LGMDR6). Also called: MUSCULAR DYSTROPHY, LIMB-GIRDLE, AUTOSOMAL RECESSIVE 6; Muscular dystrophy limb-girdle with delta-sarcoglyan deficiency. Identifiers: Orphanet 219, MedGen C1832525, MONDO:0011028, OMIM 601287. Disease mechanism: Affects gamma-sarcoglycan and also disrupts the integrity of the entire sarcoglycan complex..

Submission:

Labcorp Genetics (formerly Invitae), Labcorp
Classification: Pathogenic for Autosomal recessive limb-girdle muscular dystrophy type 2F. Last evaluated: 2020-05-08. Review status: criteria provided, single submitter. Criteria: Invitae Variant Classification Sherloc (09022015). Collection method: clinical testing. Allele origin: germline.
Comment: This variant is an out-of-frame deletion of the genomic region encompassing exon(s) e4-e7 of the SGCD gene. This is expected to create a premature translational stop signal and result in an absent or disrupted protein product. For these reasons, this variant has been classified as Pathogenic. Loss-of-function variants in SGCD are known to be pathogenic (PMID: 8841194, 10735275, 10838250). This variant has not been reported in the literature in individuals with SGCD-related conditions.

Literature cited by the submitters: PubMed 8841194; PubMed 10735275; PubMed 10838250.